The following is an entry in ClinVar:

ClinVar aggregate classification (germline): Pathogenic (1 of 4 stars; one submission).

Submission:

Labcorp Genetics (formerly Invitae), Labcorp
Classification: Pathogenic. Last evaluated: 2023-11-24. Review status: criteria provided, single submitter. Criteria: Invitae Variant Classification Sherloc (09022015). Collection method: clinical testing. Allele origin: germline.
Comment: This sequence change affects an acceptor splice site in intron 6 of the TSPAN12 gene. It is expected to disrupt RNA splicing. Variants that disrupt the donor or acceptor splice site typically lead to a loss of protein function (PMID: 16199547), and loss-of-function variants in TSPAN12 are known to be pathogenic (PMID: 20159112, 21334594). This variant is not present in population databases (gnomAD no frequency). Disruption of this splice site has been observed in individual(s) with familial exudative vitreoretinopathy (PMID: 29181528). In at least one individual the variant was observed to be de novo. Algorithms developed to predict the effect of sequence changes on RNA splicing suggest that this variant may disrupt the consensus splice site. For these reasons, this variant has been classified as Pathogenic.

Literature cited by the submitters: PubMed 16199547; PubMed 20159112; PubMed 21334594; PubMed 29181528.

NM_012338.4(TSPAN12):c.469-1G>C

Gene: TSPAN12 (tetraspanin 12; minus strand). Cytogenetic location: 7q31.31.
Variant type: single nucleotide variant.
Coding change: c.469-1G>C on transcript NM_012338.4 (MANE Select); the canonical splice acceptor site of the intron before coding-DNA position 469, G replaced by C.
Molecular consequence: splice acceptor variant.
Genome position (GRCh38, 1-based): chr7:120,806,693, C>G on the plus strand (G>C on the coding strand, the complement: TSPAN12 is on the minus strand). VCF-style: chr7-120806693-C-G. GRCh37 (hg19) VCF-style: chr7-120446747-C-G.
Identifiers: ClinVar variation 2837890 (VCV002837890.3), dbSNP rs2485339909, ClinGen allele CA369136605.